The following is an entry in ClinVar:

NM_000535.7(PMS2):c.1653C>T (p.Cys551=)

Gene: PMS2 (PMS1 homolog 2, mismatch repair system component; minus strand). Cytogenetic location: 7p22.1.
Variant type: single nucleotide variant.
Coding change: c.1653C>T on transcript NM_000535.7 (MANE Select); coding-DNA position 1653, C replaced by T.
Protein change: p.Cys551=; no amino-acid change (cysteine 551 retained).
Molecular consequence: synonymous variant. On other transcripts: non-coding transcript variant (1).
Genome position (GRCh38, 1-based): chr7:5,987,112, G>A on the plus strand (C>T on the coding strand, the complement: PMS2 is on the minus strand). VCF-style: chr7-5987112-G-A. GRCh37 (hg19) VCF-style: chr7-6026743-G-A.
Other names: c.1248C>T, p.Cys416= (NM_001322003.2, NM_001322004.2, NM_001322005.2 and 1 more transcripts); c.1497C>T, p.Cys499= (NM_001322006.2); c.1335C>T, p.Cys445= (NM_001322007.2, NM_001322008.2); c.1092C>T, p.Cys364= (NM_001322010.2); c.720C>T, p.Cys240= (NM_001322011.2, NM_001322012.2); c.1080C>T, p.Cys360= (NM_001322013.2); c.1653C>T, p.Cys551= (NM_001322014.2); c.1344C>T, p.Cys448= (NM_001322015.2).
Identifiers: ClinVar variation 672343 (VCV000672343.5), dbSNP rs876659162, ClinGen allele CA453746277.
Genomic context (GRCh38, chr7:5,987,112, plus strand): 5'-GAGATTAGTTGGCTGAGGCAAAACTCGAAATTTACATCCGGTATCTTCCTGGTTTGAATG[G>A]CAGTCCACATCTGAAAAAGAGTCGTCAGTTTTAGGCGCTTTCTCCTGAGAGTCCACATGT-3'
Protein context (NP_000526.2, residues 541-561): KTDDSFSDVD[Cys551=]HSNQEDTGCK

ClinVar aggregate classification (germline): Benign/Likely benign. Review status: criteria provided, multiple submitters, no conflicts (2 of 4 stars). 4 submissions from 4 submitters: Benign (1); Likely benign (3). Last evaluated 2025-01-31.

Conditions:
Lynch syndrome 4 (LYNCH4). Also called: Colorectal cancer, hereditary nonpolyposis, type 4; Hereditary non-polyposis colorectal cancer, type 4. Identifiers: Orphanet 144, MedGen C1838333, MONDO:0013699, OMIM 614337. Disease mechanism: loss of function.
Hereditary cancer-predisposing syndrome. Also called: Tumor predisposition; Hereditary neoplastic syndrome; Hereditary Cancer Syndrome; Neoplastic Syndromes, Hereditary. Identifiers: Orphanet 140162, MedGen C0027672, MeSH D009386, MONDO:0015356.

gnomAD v4.1: 2 of 1,614,018 alleles (0.00012%); highest among the groups gnomAD compares: Non-Finnish European, 0.00017%; no homozygotes.

Submissions (4):

Myriad Genetics, Inc.
Classification: Benign for Lynch syndrome 4. Last evaluated: 2025-01-31. Review status: criteria provided, single submitter. Criteria: Myriad Autosomal Dominant, Autosomal Recessive and X-Linked Classification Criteria (2023). Collection method: clinical testing. Allele origin: unknown.
Comment: This variant is considered benign. This variant is a silent/synonymous amino acid change and it is not expected to impact splicing.

Blueprint Genetics
Classification: Likely benign. Last evaluated: 2024-09-30. Review status: criteria provided, single submitter. Criteria: ACMG Guidelines, 2015. Collection method: clinical testing. Allele origin: germline.

Ambry Genetics
Classification: Likely benign for Hereditary cancer-predisposing syndrome. Last evaluated: 2020-02-01. Review status: criteria provided, single submitter. Criteria: Ambry Variant Classification Scheme 2023. Collection method: clinical testing. Allele origin: germline.

GeneDx
Classification: Likely benign. Last evaluated: 2018-06-18. Review status: criteria provided, single submitter. Criteria: GeneDx Variant Classification (06012015). Collection method: clinical testing. Allele origin: germline. Affected: yes.
Comment: This variant is considered likely benign or benign based on one or more of the following criteria: it is a conservative change, it occurs at a poorly conserved position in the protein, it is predicted to be benign by multiple in silico algorithms, and/or has population frequency not consistent with disease.